The following is an entry in ClinVar:

ClinVar aggregate classification (germline): Uncertain significance. Review status: criteria provided, multiple submitters, no conflicts (2 of 4 stars). 3 submissions from 3 submitters: Uncertain significance (3). Last evaluated 2025-11-24.

Conditions:
Inborn genetic diseases. Identifiers: MedGen C0950123, MeSH D030342.
Deafness-lymphedema-leukemia syndrome. Also called: Emberger syndrome; Lymphedema, primary, with myelodysplasia. Identifiers: Orphanet 3226, MedGen C3279664, MONDO:0013540, OMIM 614038.
Monocytopenia with susceptibility to infections. Also called: MONOCYTOPENIA WITH SUSCEPTIBILITY TO MYCOBACTERIAL, FUNGAL, AND PAPILLOMAVIRUS INFECTIONS AND MYELODYSPLASIA; COMBINED IMMUNODEFICIENCY WITH SUSCEPTIBILITY TO MYCOBACTERIAL, VIRAL, AND FUNGAL INFECTIONS; MONOCYTOPENIA AND MYCOBACTERIAL INFECTION SYNDROME; Dendritic cell, monocyte, B lymphocyte, and natural killer lymphocyte deficiency; IMMUNODEFICIENCY 21; GATA2 DEFICIENCY. Identifiers: Orphanet 228423, MedGen C3280030, MONDO:0013607, OMIM 614172.

Allele frequency attached by ClinVar (database versions not stated): TOPMed below 0.00001.
gnomAD v4.1: 12 of 1,611,524 alleles (0.00074%); highest among the groups gnomAD compares: Non-Finnish European, 0.001%; no homozygotes.

Submissions (3):

Ambry Genetics
Classification: Uncertain significance for Inborn genetic diseases. Last evaluated: 2025-11-24. Review status: criteria provided, single submitter. Criteria: Ambry Variant Classification Scheme 2023. Collection method: clinical testing. Allele origin: germline.
Comment: The p.T455A variant (also known as c.1363A>G), located in coding exon 5 of the GATA2 gene, results from an A to G substitution at nucleotide position 1363. The threonine at codon 455 is replaced by alanine, an amino acid with similar properties. This amino acid position is highly conserved in available vertebrate species. In addition, the in silico prediction for this alteration is inconclusive. Based on the available evidence, the clinical significance of this variant remains unclear.

Labcorp Genetics (formerly Invitae), Labcorp
Classification: Uncertain significance for Monocytopenia with susceptibility to infections; Deafness-lymphedema-leukemia syndrome. Last evaluated: 2025-04-11. Review status: criteria provided, single submitter. Criteria: Invitae Variant Classification Sherloc (09022015). Collection method: clinical testing. Allele origin: germline.
Comment: This sequence change replaces threonine, which is neutral and polar, with alanine, which is neutral and non-polar, at codon 455 of the GATA2 protein (p.Thr455Ala). This variant is present in population databases (no rsID available, gnomAD 0.002%). This variant has not been reported in the literature in individuals affected with GATA2-related conditions. ClinVar contains an entry for this variant (Variation ID: 1361111). Invitae Evidence Modeling of protein sequence and biophysical properties (such as structural, functional, and spatial information, amino acid conservation, physicochemical variation, residue mobility, and thermodynamic stability) has been performed for this missense variant. However, the output from this modeling did not meet the statistical confidence thresholds required to predict the impact of this variant on GATA2 protein function. In summary, the available evidence is currently insufficient to determine the role of this variant in disease. Therefore, it has been classified as a Variant of Uncertain Significance.

GeneDx
Classification: Uncertain significance. Last evaluated: 2024-04-23. Review status: criteria provided, single submitter. Criteria: GeneDx Variant Classification Process June 2021. Collection method: clinical testing. Allele origin: germline. Affected: yes.
Comment: Not observed at significant frequency in large population cohorts (gnomAD); In silico analysis indicates that this missense variant does not alter protein structure/function; Has not been previously published as pathogenic or benign to our knowledge

NM_032638.5(GATA2):c.1363A>G (p.Thr455Ala)

Gene: GATA2 (GATA binding protein 2; minus strand). Cytogenetic location: 3q21.3.
Variant type: single nucleotide variant.
Coding change: c.1363A>G on transcript NM_032638.5 (MANE Select); coding-DNA position 1363, A replaced by G.
Protein change: p.Thr455Ala; replaces threonine 455 with alanine.
Molecular consequence: missense variant.
Genome position (GRCh38, 1-based): chr3:128,481,099, T>C on the plus strand (A>G on the coding strand, the complement: GATA2 is on the minus strand). VCF-style: chr3-128481099-T-C. GRCh37 (hg19) VCF-style: chr3-128199942-T-C.
Other names: c.1363A>G, p.Thr455Ala (NM_001145661.2); c.1321A>G, p.Thr441Ala (NM_001145662.1); c.1363A>G (NM_032638.4); short protein forms T441A, T455A.
Identifiers: ClinVar variation 1361111 (VCV001361111.8), dbSNP rs755408952, ClinGen allele CA354412629.